The following is an entry in ClinVar:

NM_001330260.2(SCN8A):c.445A>G (p.Met149Val)

Gene: SCN8A (sodium voltage-gated channel alpha subunit 8; plus strand). Cytogenetic location: 12q13.13.
Variant type: single nucleotide variant.
Coding change: c.445A>G on transcript NM_001330260.2 (MANE Select); coding-DNA position 445, A replaced by G.
Protein change: p.Met149Val; replaces methionine 149 with valine.
Molecular consequence: missense variant.
Genome position (GRCh38, 1-based): chr12:51,686,417, A>G. VCF-style: chr12-51686417-A-G. GRCh37 (hg19) VCF-style: chr12-52080201-A-G.
Other names: p.M149V; c.445A>G, p.Met149Val (NM_001177984.3, NM_001369788.1, NM_014191.4); short protein forms M149V.
Identifiers: ClinVar variation 3235701 (VCV003235701.5), dbSNP rs2540154868, ClinGen allele CA385221742.

ClinVar aggregate classification (germline): Pathogenic/Likely pathogenic. Review status: criteria provided, multiple submitters, no conflicts (2 of 4 stars). 3 submissions from 3 submitters: Pathogenic (1); Likely pathogenic (2). Last evaluated 2026-01-05.

Conditions:
Seizures, benign familial infantile, 5 (BFIS5). Also called: CONVULSIONS, BENIGN FAMILIAL INFANTILE, 5. Identifiers: Orphanet 306, MedGen C4310728, MONDO:0014903, OMIM 617080.
Intellectual disability. Also called: Intellectual functioning disability; Intellectual developmental disorder; intellectual disabilities. Identifiers: MedGen C3714756, MeSH D008607, MONDO:0001071, HP:0001249.

Submissions (3):

GeneDx
Classification: Pathogenic. Last evaluated: 2026-01-05. Review status: criteria provided, single submitter. Criteria: GeneDx Variant Classification Process June 2021. Collection method: clinical testing. Allele origin: germline.
Comment: In silico analysis supports that this missense variant has a deleterious effect on protein structure/function; Not observed at significant frequency in large population cohorts (gnomAD); Has not been previously published as pathogenic or benign to our knowledge; This substitution is predicted to be within the transmembrane segment S1 of the first homologous domain

Watson Genetic Lab
Classification: Likely pathogenic for Seizures, benign familial infantile, 5. Last evaluated: 2021-01-26. Review status: criteria provided, single submitter. Criteria: ACMG Guidelines, 2015. Collection method: clinical testing. Allele origin: de novo. Inheritance: Autosomal dominant inheritance. Affected: yes.

Cambridge Genomics Laboratory, East Genomic Laboratory Hub, NHS Genomic Medicine Service
Classification: Likely pathogenic for Intellectual disability. Last evaluated: 2020-03-27. Review status: criteria provided, single submitter. Criteria: ACGS Best Practice Guidelines for Variant Classification in Rare Disease 2020. Collection method: clinical testing. Allele origin: germline. Affected: yes. Observed: 1 variant allele.